The following is an entry in ClinVar:

NM_031407.7(HUWE1):c.9360A>G (p.Ala3120=)

Gene: HUWE1 (HECT, UBA and WWE domain containing E3 ubiquitin protein ligase 1; minus strand). Cytogenetic location: Xp11.22.
Variant type: single nucleotide variant.
Coding change: c.9360A>G on transcript NM_031407.7 (MANE Select); coding-DNA position 9360, A replaced by G.
Protein change: p.Ala3120=; no amino-acid change (alanine 3120 retained).
Molecular consequence: synonymous variant.
Genome position (GRCh38, 1-based): chrX:53,550,926, T>C on the plus strand (A>G on the coding strand, the complement: HUWE1 is on the minus strand). VCF-style: chrX-53550926-T-C. GRCh37 (hg19) VCF-style: chrX-53577887-T-C.
Other names: c.9360A>G (NM_031407.6).
Identifiers: ClinVar variation 587826 (VCV000587826.16), dbSNP rs2281481, ClinGen allele CA10421688.
Genomic context (GRCh38, chrX:53,550,926, plus strand): 5'-CTTTCCAGAGCCCTCCCACTTGCCTCCCTCTGTACCCGGGCTTCGGAGAATAGCAGAGAG[T>C]GCGGAGGTGCTACTGTGCCCAAACAGACGCTCATGCATGAGCTGTCGCTGCCGGGCTTCT-3'
Protein context (NP_113584.3, residues 3110-3130): ERLFGHSSTS[Ala3120=]LSAILRSPAF

ClinVar aggregate classification (germline): Benign. Review status: criteria provided, multiple submitters, no conflicts (2 of 4 stars). 6 submissions from 6 submitters: Benign (5). 1 of the submissions does not count toward it. Last evaluated 2026-02-01.

Conditions:
Inborn genetic diseases. Identifiers: MedGen C0950123, MeSH D030342.
HUWE1-related disorder. Also called: HUWE1-related condition.

Allele frequency attached by ClinVar (database versions not stated): ESP Exome Variant Server 0.00009; gnomAD 0.00353 and 0.00515; gnomAD exomes 0.00443 and 0.01186; TOPMed 0.00671; ExAC 0.01172; 1000 Genomes Project 30x 0.03018; 1000 Genomes Project 0.03232.
gnomAD v4.1: 5,610 of 1,209,198 alleles (0.46%); highest among the groups gnomAD compares: East Asian, 14%; 271 homozygotes.

Submissions (6):

Labcorp Genetics (formerly Invitae), Labcorp
Classification: Benign. Last evaluated: 2026-02-01. Review status: criteria provided, single submitter. Criteria: Invitae Variant Classification Sherloc (09022015). Collection method: clinical testing. Allele origin: germline.

Blueprint Genetics
Classification: Benign. Last evaluated: 2024-11-27. Review status: criteria provided, single submitter. Criteria: ACMG Guidelines, 2015. Collection method: clinical testing. Allele origin: germline.

GeneDx
Classification: Benign. Last evaluated: 2018-12-21. Review status: criteria provided, single submitter. Criteria: GeneDx Variant Classification Process June 2021. Collection method: clinical testing. Allele origin: germline. Affected: yes.

Ambry Genetics
Classification: Benign for Inborn genetic diseases. Last evaluated: 2015-06-25. Review status: criteria provided, single submitter. Criteria: Ambry Variant Classification Scheme 2023. Collection method: clinical testing. Allele origin: germline.

Breakthrough Genomics
Classification: Benign. Review status: criteria provided, single submitter. Criteria: ACMG Guidelines, 2015. Collection method: not provided. Allele origin: germline. Inheritance: X-linked inheritance. Affected: yes.

PreventionGenetics, part of Exact Sciences
Classification: Benign for HUWE1-related condition. Last evaluated: 2019-03-21. Review status: no assertion criteria provided. Collection method: clinical testing. Allele origin: germline. Not counted in ClinVar's aggregate classification.
Comment: This variant is classified as benign based on ACMG/AMP sequence variant interpretation guidelines (Richards et al. 2015 PMID: 25741868, with internal and published modifications).